The following is an entry in ClinVar:

ClinVar aggregate classification (germline): Uncertain significance (1 of 4 stars; one submission).

Allele frequency attached by ClinVar (database versions not stated): gnomAD exomes below 0.00001 and 0.00002; TOPMed below 0.00001; gnomAD 0.00001; ExAC 0.00002.
gnomAD v4.1: 5 of 1,614,078 alleles (0.00031%); highest among the groups gnomAD compares: Admixed American, 0.0033%; no homozygotes.

Submission:

Labcorp Genetics (formerly Invitae), Labcorp
Classification: Uncertain significance. Last evaluated: 2021-09-29. Review status: criteria provided, single submitter. Criteria: Invitae Variant Classification Sherloc (09022015). Collection method: clinical testing. Allele origin: germline.
Comment: This sequence change replaces arginine with tryptophan at codon 989 of the EIF2AK4 protein (p.Arg989Trp). The arginine residue is highly conserved and there is a moderate physicochemical difference between arginine and tryptophan. This variant is present in population databases (rs774494999, ExAC 0.02%). This missense change has been observed in individuals with pulmonary arterial hypertension (PMID: 29743074, 30578397; Invitae). Algorithms developed to predict the effect of missense changes on protein structure and function (SIFT, PolyPhen-2, Align-GVGD) all suggest that this variant is likely to be disruptive. In summary, the available evidence is currently insufficient to determine the role of this variant in disease. Therefore, it has been classified as a Variant of Uncertain Significance.

Literature cited by the submitters: PubMed 29743074; PubMed 30578397.

NM_001013703.4(EIF2AK4):c.2965C>T (p.Arg989Trp)

Gene: EIF2AK4 (eukaryotic translation initiation factor 2 alpha kinase 4; plus strand). Cytogenetic location: 15q15.1.
Variant type: single nucleotide variant.
Coding change: c.2965C>T on transcript NM_001013703.4 (MANE Select); coding-DNA position 2965, C replaced by T.
Protein change: p.Arg989Trp; replaces arginine 989 with tryptophan.
Molecular consequence: missense variant.
Genome position (GRCh38, 1-based): chr15:40,001,030, C>T. VCF-style: chr15-40001030-C-T. GRCh37 (hg19) VCF-style: chr15-40293231-C-T.
Other names: short protein forms R989W.
Identifiers: ClinVar variation 1432055 (VCV001432055.6), dbSNP rs774494999, ClinGen allele CA7474208.